The following is an entry in ClinVar:

ClinVar aggregate classification (germline): Uncertain significance (1 of 4 stars; one submission).

Submission:

Labcorp Genetics (formerly Invitae), Labcorp
Classification: Uncertain significance. Last evaluated: 2025-12-29. Review status: criteria provided, single submitter. Criteria: Invitae Variant Classification Sherloc (09022015). Collection method: clinical testing. Allele origin: germline.
Comment: This sequence change replaces isoleucine, which is neutral and non-polar, with valine, which is neutral and non-polar, at codon 110 of the FGF20 protein (p.Ile110Val). This variant is not present in population databases (gnomAD no frequency). This variant has not been reported in the literature in individuals affected with FGF20-related conditions. An algorithm developed to predict the effect of missense changes on protein structure and function (PolyPhen-2) suggests that this variant is likely to be disruptive. In summary, the available evidence is currently insufficient to determine the role of this variant in disease. Therefore, it has been classified as a Variant of Uncertain Significance.

NM_019851.3(FGF20):c.328A>G (p.Ile110Val)

Gene: FGF20 (fibroblast growth factor 20; minus strand). Cytogenetic location: 8p22.
Variant type: single nucleotide variant.
Coding change: c.328A>G on transcript NM_019851.3 (MANE Select); coding-DNA position 328, A replaced by G.
Protein change: p.Ile110Val; replaces isoleucine 110 with valine.
Molecular consequence: missense variant.
Genome position (GRCh38, 1-based): chr8:16,995,717, T>C on the plus strand (A>G on the coding strand, the complement: FGF20 is on the minus strand). VCF-style: chr8-16995717-T-C. GRCh37 (hg19) VCF-style: chr8-16853226-T-C.
Other names: short protein forms I110V.
Identifiers: ClinVar variation 4763965 (VCV004763965.1).